The following is an entry in ClinVar:

ClinVar aggregate classification (germline): Uncertain significance (1 of 4 stars; one submission).

Conditions:
Multiple congenital exostosis (EXT). Also called: Multiple exostoses; Hereditary multiple exostoses; Hereditary multiple exostosis; Multiple osteochondromas; Hereditary multiple osteochondromas; MULTIPLE CARTILAGINOUS EXOSTOSES. Identifiers: Orphanet 321, MedGen C0015306, MONDO:0005508, HP:0002762.

Allele frequency attached by ClinVar (database versions not stated): gnomAD exomes below 0.00001; TOPMed below 0.00001; ExAC 0.00001; gnomAD 0.00001.
gnomAD v4.1: 4 of 1,614,056 alleles (0.00025%); highest among the groups gnomAD compares: Admixed American, 0.0033%; no homozygotes.

Submission:

Labcorp Genetics (formerly Invitae), Labcorp
Classification: Uncertain significance for Multiple congenital exostosis. Last evaluated: 2021-01-12. Review status: criteria provided, single submitter. Criteria: Invitae Variant Classification Sherloc (09022015). Collection method: clinical testing. Allele origin: germline.
Comment: In summary, the available evidence is currently insufficient to determine the role of this variant in disease. Therefore, it has been classified as a Variant of Uncertain Significance. Algorithms developed to predict the effect of sequence changes on RNA splicing suggest that this variant may create or strengthen a splice site, but this prediction has not been confirmed by published transcriptional studies. Advanced modeling of protein sequence and biophysical properties (such as structural, functional, and spatial information, amino acid conservation, physicochemical variation, residue mobility, and thermodynamic stability) performed at Invitae indicates that this missense variant is not expected to disrupt EXT1 protein function. This variant has not been reported in the literature in individuals with EXT1-related conditions. This variant is present in population databases (rs753036738, ExAC 0.002%). This sequence change replaces asparagine with serine at codon 229 of the EXT1 protein (p.Asn229Ser). The asparagine residue is moderately conserved and there is a small physicochemical difference between asparagine and serine.

NM_000127.3(EXT1):c.686A>G (p.Asn229Ser)

Gene: EXT1 (exostosin glycosyltransferase 1; minus strand). Cytogenetic location: 8q24.11.
Variant type: single nucleotide variant.
Coding change: c.686A>G on transcript NM_000127.3 (MANE Select); coding-DNA position 686, A replaced by G.
Protein change: p.Asn229Ser; replaces asparagine 229 with serine.
Molecular consequence: missense variant.
Genome position (GRCh38, 1-based): chr8:118,110,361, T>C on the plus strand (A>G on the coding strand, the complement: EXT1 is on the minus strand). VCF-style: chr8-118110361-T-C. GRCh37 (hg19) VCF-style: chr8-119122600-T-C.
Other names: short protein forms N229S.
Identifiers: ClinVar variation 1523913 (VCV001523913.8), dbSNP rs753036738, ClinGen allele CA4854327.